The following is an entry in ClinVar:

ClinVar aggregate classification (germline): Uncertain significance (1 of 4 stars; one submission).

Allele frequency attached by ClinVar (database versions not stated): gnomAD exomes below 0.00001; TOPMed below 0.00001; gnomAD 0.00001.
gnomAD v4.1: 7 of 1,582,634 alleles (0.00044%); highest among the groups gnomAD compares: Non-Finnish European, 0.0006%; no homozygotes.

Submission:

Labcorp Genetics (formerly Invitae), Labcorp
Classification: Uncertain significance. Last evaluated: 2022-10-17. Review status: criteria provided, single submitter. Criteria: Invitae Variant Classification Sherloc (09022015). Collection method: clinical testing. Allele origin: germline.
Comment: In summary, the available evidence is currently insufficient to determine the role of this variant in disease. Therefore, it has been classified as a Variant of Uncertain Significance. Advanced modeling of protein sequence and biophysical properties (such as structural, functional, and spatial information, amino acid conservation, physicochemical variation, residue mobility, and thermodynamic stability) performed at Invitae indicates that this missense variant is not expected to disrupt GABRB1 protein function. ClinVar contains an entry for this variant (Variation ID: 1353690). This variant has not been reported in the literature in individuals affected with GABRB1-related conditions. This variant is not present in population databases (gnomAD no frequency). This sequence change replaces valine, which is neutral and non-polar, with isoleucine, which is neutral and non-polar, at codon 473 of the GABRB1 protein (p.Val473Ile).

NM_000812.4(GABRB1):c.1417G>A (p.Val473Ile)

Gene: GABRB1 (gamma-aminobutyric acid type A receptor subunit beta1; plus strand). Cytogenetic location: 4p12.
Variant type: single nucleotide variant.
Coding change: c.1417G>A on transcript NM_000812.4 (MANE Select); coding-DNA position 1417, G replaced by A.
Protein change: p.Val473Ile; replaces valine 473 with isoleucine.
Molecular consequence: missense variant.
Genome position (GRCh38, 1-based): chr4:47,426,010, G>A. VCF-style: chr4-47426010-G-A. GRCh37 (hg19) VCF-style: chr4-47428027-G-A.
Other names: short protein forms V473I.
Identifiers: ClinVar variation 1353690 (VCV001353690.8), dbSNP rs1729281186, ClinGen allele CA356767985.